The following is an entry in ClinVar:

NM_000548.5(TSC2):c.4347C>T (p.Ser1449=)

Gene: TSC2 (TSC complex subunit 2; plus strand). Cytogenetic location: 16p13.3.
Variant type: single nucleotide variant.
Coding change: c.4347C>T on transcript NM_000548.5 (MANE Select); coding-DNA position 4347, C replaced by T.
Protein change: p.Ser1449=; no amino-acid change (serine 1449 retained).
Molecular consequence: synonymous variant.
Genome position (GRCh38, 1-based): chr16:2,084,569, C>T. VCF-style: chr16-2084569-C-T. GRCh37 (hg19) VCF-style: chr16-2134570-C-T.
Other names: c.4146C>T, p.Ser1382= (NM_001077183.3); c.4278C>T, p.Ser1426= (NM_001114382.3); c.4038C>T, p.Ser1346= (NM_001318827.2); c.4002C>T, p.Ser1334= (NM_001318829.2); c.3615C>T, p.Ser1205= (NM_001318831.2); c.4179C>T, p.Ser1393= (NM_001318832.2); c.4149C>T, p.Ser1383= (NM_001363528.2); c.4215C>T, p.Ser1405= (NM_001370404.1); and 1 more.
Identifiers: ClinVar variation 1155673 (VCV001155673.12), dbSNP rs2151533587, ClinGen allele CA493043474.

ClinVar aggregate classification (germline): Benign/Likely benign. Review status: criteria provided, multiple submitters, no conflicts (2 of 4 stars). 3 submissions from 3 submitters: Benign (1); Likely benign (2). Last evaluated 2025-10-13.

Conditions:
Hereditary cancer-predisposing syndrome. Also called: Hereditary Cancer Syndrome; Hereditary neoplastic syndrome; Neoplastic Syndromes, Hereditary; Tumor predisposition. Identifiers: Orphanet 140162, MedGen C0027672, MeSH D009386, MONDO:0015356.
Tuberous sclerosis 2 (TSC2). Identifiers: Orphanet 805, MedGen C1860707, MONDO:0013199, OMIM 613254.

gnomAD v4.1: 1 of 1,607,622 alleles (0.000062%); highest among the groups gnomAD compares: Non-Finnish European, 0.000085%; no homozygotes.

Submissions (3):

Labcorp Genetics (formerly Invitae), Labcorp
Classification: Likely benign for Tuberous sclerosis 2. Last evaluated: 2025-10-13. Review status: criteria provided, single submitter. Criteria: Invitae Variant Classification Sherloc (09022015). Collection method: clinical testing. Allele origin: germline.

Myriad Genetics, Inc.
Classification: Benign for Tuberous sclerosis 2. Last evaluated: 2025-06-03. Review status: criteria provided, single submitter. Criteria: Myriad Autosomal Dominant, Autosomal Recessive and X-Linked Classification Criteria (2023). Collection method: clinical testing. Allele origin: unknown.
Comment: This variant is considered benign. This variant is a silent/synonymous amino acid change and it is not expected to impact splicing.

Ambry Genetics
Classification: Likely benign for Hereditary cancer-predisposing syndrome. Last evaluated: 2020-08-17. Review status: criteria provided, single submitter. Criteria: Ambry Variant Classification Scheme 2023. Collection method: clinical testing. Allele origin: germline.